The following is an entry in ClinVar:

NM_006017.3(PROM1):c.2130+95G>A

Gene: PROM1 (prominin 1; minus strand). Cytogenetic location: 4p15.32.
Variant type: single nucleotide variant.
Coding change: c.2130+95G>A on transcript NM_006017.3 (MANE Select); 95 bases into the intron after coding-DNA position 2130, G replaced by A.
Molecular consequence: intron variant.
Genome position (GRCh38, 1-based): chr4:15,987,568, C>T on the plus strand (G>A on the coding strand, the complement: PROM1 is on the minus strand). VCF-style: chr4-15987568-C-T. GRCh37 (hg19) VCF-style: chr4-15989191-C-T.
Other names: c.2103+95G>A (NM_001145848.2, NM_001145852.2, NM_001145847.2 and 4 more transcripts); c.2130+95G>A (NM_001145850.2, NM_001145849.2).
Identifiers: ClinVar variation 677209 (VCV000677209.2), dbSNP rs2191004, ClinGen allele CA92577633.

ClinVar aggregate classification (germline): Benign. Review status: criteria provided, multiple submitters, no conflicts (2 of 4 stars). 2 submissions from 2 submitters: Benign (2). Last evaluated 2018-06-14.

Allele frequency attached by ClinVar (database versions not stated): 1000 Genomes Project 0.89117.

Submissions (2):

GeneDx
Classification: Benign. Last evaluated: 2018-06-14. Review status: criteria provided, single submitter. Criteria: GeneDx Variant Classification (06012015). Collection method: clinical testing. Allele origin: germline. Affected: yes.
Comment: This variant is considered likely benign or benign based on one or more of the following criteria: it is a conservative change, it occurs at a poorly conserved position in the protein, it is predicted to be benign by multiple in silico algorithms, and/or has population frequency not consistent with disease.

Breakthrough Genomics
Classification: Benign. Review status: criteria provided, single submitter. Criteria: ACMG Guidelines, 2015. Collection method: not provided. Allele origin: germline. Inheritance: Autosomal recessive inheritance. Affected: yes.